The following is an entry in ClinVar:

NM_004415.4(DSP):c.3492C>G (p.Ile1164Met)

Gene: DSP (desmoplakin; plus strand). Cytogenetic location: 6p24.3.
Variant type: single nucleotide variant.
Coding change: c.3492C>G on transcript NM_004415.4 (MANE Select); coding-DNA position 3492, C replaced by G.
Protein change: p.Ile1164Met; replaces isoleucine 1164 with methionine.
Molecular consequence: missense variant.
Genome position (GRCh38, 1-based): chr6:7,579,682, C>G. VCF-style: chr6-7579682-C-G. GRCh37 (hg19) VCF-style: chr6-7579915-C-G.
Other names: c.3492C>G (LRG_423t1); c.3492C>G, p.Ile1164Met (NM_001008844.3, NM_001319034.2); short protein forms I1164M.
Identifiers: ClinVar variation 578110 (VCV000578110.6), dbSNP rs1561697488, ClinGen allele CA362684185.

ClinVar aggregate classification (germline): Uncertain significance. Review status: criteria provided, multiple submitters, no conflicts (2 of 4 stars). 4 submissions from 4 submitters: Uncertain significance (4). Last evaluated 2025-07-29.

Conditions:
Arrhythmogenic cardiomyopathy with wooly hair and keratoderma. Also called: PALMOPLANTAR KERATODERMA WITH LEFT VENTRICULAR CARDIOMYOPATHY AND WOOLLY HAIR; Carvajal syndrome; Dilated cardiomyopathy with woolly hair and keratoderma; Arrhythmogenic cardiomyopathy with woolly hair and keratoderma. Identifiers: Orphanet 65282, MedGen C1854063, MONDO:0011581, OMIM 605676.
Arrhythmogenic right ventricular dysplasia 8 (ARVD8). Also called: ARRHYTHMOGENIC RIGHT VENTRICULAR DYSPLASIA, FAMILIAL, 8; ARRHYTHMOGENIC RIGHT VENTRICULAR CARDIOMYOPATHY 8; Arrhythmogenic Right Ventricular Dysplasia/Cardiomyopathy 8. Identifiers: MedGen C1843896, MONDO:0011831, OMIM 607450.
Cardiovascular phenotype. Identifiers: MedGen CN230736.

Submissions (4):

Ambry Genetics
Classification: Uncertain significance for Cardiovascular phenotype. Last evaluated: 2025-07-29. Review status: criteria provided, single submitter. Criteria: Ambry Variant Classification Scheme 2023. Collection method: clinical testing. Allele origin: germline.
Comment: The p.I1164M variant (also known as c.3492C>G), located in coding exon 23 of the DSP gene, results from a C to G substitution at nucleotide position 3492. The isoleucine at codon 1164 is replaced by methionine, an amino acid with highly similar properties. This amino acid position is conserved. In addition, the in silico prediction for this alteration is inconclusive. Based on the available evidence, the clinical significance of this variant remains unclear.

Women's Health and Genetics/Laboratory Corporation of America, LabCorp
Classification: Uncertain significance. Last evaluated: 2021-05-12. Review status: criteria provided, single submitter. Criteria: LabCorp Variant Classification Summary - May 2015. Collection method: clinical testing. Allele origin: germline.
Comment: Variant summary: DSP c.3492C>G (p.Ile1164Met) results in a conservative amino acid change in the encoded protein sequence. Three of five in-silico tools predict a benign effect of the variant on protein function. The variant was absent in 250606 control chromosomes (gnomAD). The available data on variant occurrences in the general population are insufficient to allow any conclusion about variant significance. To our knowledge, no occurrence of c.3492C>G in individuals affected with Arrhythmia and no experimental evidence demonstrating its impact on protein function have been reported. One other ClinVar submitter (evaluation after 2014) cite the variant as uncertain significance. Based on the evidence outlined above, the variant was classified as uncertain significance.

Labcorp Genetics (formerly Invitae), Labcorp
Classification: Uncertain significance for Dilated cardiomyopathy with woolly hair and keratoderma; Arrhythmogenic right ventricular cardiomyopathy, type 8. Last evaluated: 2018-10-05. Review status: criteria provided, single submitter. Criteria: Invitae Variant Classification Sherloc (09022015). Collection method: clinical testing. Allele origin: germline.
Comment: This sequence change replaces isoleucine with methionine at codon 1164 of the DSP protein (p.Ile1164Met). The isoleucine residue is moderately conserved and there is a small physicochemical difference between isoleucine and methionine. This variant is not present in population databases (ExAC no frequency). This variant has not been reported in the literature in individuals with DSP-related disease. Algorithms developed to predict the effect of missense changes on protein structure and function do not agree on the potential impact of this missense change (SIFT: "Deleterious"; PolyPhen-2: "Possibly Damaging"; Align-GVGD: "Class C0"). In summary, the available evidence is currently insufficient to determine the role of this variant in disease. Therefore, it has been classified as a Variant of Uncertain Significance.

Breakthrough Genomics
Classification: Uncertain significance. Review status: criteria provided, single submitter. Criteria: ACMG Guidelines, 2015. Collection method: not provided. Allele origin: germline. Inheritance: Autosomal recessive inheritance. Affected: yes.